The following is an entry in ClinVar:

ClinVar aggregate classification (germline): Uncertain significance (1 of 4 stars; one submission).

Conditions:
Norman-Roberts syndrome (LIS2). Also called: Lissencephaly 2 (Norman-Roberts type). Identifiers: Orphanet 89844, MedGen C0796089, MONDO:0009760, OMIM 257320.
Familial temporal lobe epilepsy 7. Identifiers: Orphanet 101046, MedGen C4225327, MONDO:0014639, OMIM 616436.

Submission:

Labcorp Genetics (formerly Invitae), Labcorp
Classification: Uncertain significance for Familial temporal lobe epilepsy 7; Norman-Roberts syndrome. Last evaluated: 2021-07-21. Review status: criteria provided, single submitter. Criteria: Invitae Variant Classification Sherloc (09022015). Collection method: clinical testing. Allele origin: germline.
Comment: This sequence change replaces proline with alanine at codon 280 of the RELN protein (p.Pro280Ala). The proline residue is highly conserved and there is a small physicochemical difference between proline and alanine. This variant is not present in population databases (ExAC no frequency). This variant has not been reported in the literature in individuals affected with RELN-related conditions. Algorithms developed to predict the effect of missense changes on protein structure and function are either unavailable or do not agree on the potential impact of this missense change (SIFT: "Deleterious"; PolyPhen-2: "Benign"; Align-GVGD: "Class C0"). In summary, the available evidence is currently insufficient to determine the role of this variant in disease. Therefore, it has been classified as a Variant of Uncertain Significance.

NM_005045.4(RELN):c.838C>G (p.Pro280Ala)

Gene: RELN (reelin; minus strand). Cytogenetic location: 7q22.1.
Variant type: single nucleotide variant.
Coding change: c.838C>G on transcript NM_005045.4 (MANE Select); coding-DNA position 838, C replaced by G.
Protein change: p.Pro280Ala; replaces proline 280 with alanine.
Molecular consequence: missense variant.
Genome position (GRCh38, 1-based): chr7:103,700,974, G>C on the plus strand (C>G on the coding strand, the complement: RELN is on the minus strand). VCF-style: chr7-103700974-G-C. GRCh37 (hg19) VCF-style: chr7-103341421-G-C.
Other names: c.838C>G, p.Pro280Ala (NM_173054.3); short protein forms P280A.
Identifiers: ClinVar variation 1368805 (VCV001368805.8), dbSNP rs2115796279, ClinGen allele CA368928107.